The following is an entry in ClinVar:

NM_002691.4(POLD1):c.758+5_758+6inv

Gene: POLD1 (DNA polymerase delta 1, catalytic subunit; plus strand). Cytogenetic location: 19q13.33.
Variant type: Inversion.
Coding change: c.758+5_758+6inv on transcript NM_002691.4 (MANE Select).
Molecular consequence: intron variant.
Genome position: GRCh38 VCF-style: chr19-50402378-GG-CC. GRCh37 (hg19) VCF-style: chr19-50905635-GG-CC.
Other names: c.758+5_758+6inv (NM_001256849.1, NM_001308632.1).
Identifiers: ClinVar variation 2823750 (VCV002823750.3), ClinGen allele CA2739276941.

ClinVar aggregate classification (germline): Uncertain significance (1 of 4 stars; one submission).

Conditions:
POLD1-related polyposis and colorectal cancer syndrome (CRCS10). Also called: Colorectal cancer 10; COLORECTAL CANCER, SUSCEPTIBILITY TO, ON CHROMOSOME 19q; Colorectal cancer, susceptibility to, 10. Identifiers: Orphanet 220460, MedGen C2675481, MONDO:0012953, OMIM 612591.

Submission:

Labcorp Genetics (formerly Invitae), Labcorp
Classification: Uncertain significance for POLD1-related polyposis and colorectal cancer syndrome. Last evaluated: 2022-12-24. Review status: criteria provided, single submitter. Criteria: Invitae Variant Classification Sherloc (09022015). Collection method: clinical testing. Allele origin: germline.
Comment: This sequence change falls in intron 6 of the POLD1 gene. It does not directly change the encoded amino acid sequence of the POLD1 protein. It affects a nucleotide within the consensus splice site. Information on the frequency of this variant in the gnomAD database is not available, as this variant may be reported differently in the database. This variant has not been reported in the literature in individuals affected with POLD1-related conditions. Variants that disrupt the consensus splice site are a relatively common cause of aberrant splicing (PMID: 17576681, 9536098). In summary, the available evidence is currently insufficient to determine the role of this variant in disease. Therefore, it has been classified as a Variant of Uncertain Significance.

Literature cited by the submitters: PubMed 17576681; PubMed 9536098.